The following is an entry in ClinVar:

NM_001378418.1(TCF20):c.3863C>T (p.Ser1288Leu)

Gene: TCF20 (transcription factor 20; minus strand). Cytogenetic location: 22q13.2.
Variant type: single nucleotide variant.
Coding change: c.3863C>T on transcript NM_001378418.1 (MANE Select); coding-DNA position 3863, C replaced by T.
Protein change: p.Ser1288Leu; replaces serine 1288 with leucine.
Molecular consequence: missense variant.
Genome position (GRCh38, 1-based): chr22:42,211,443, G>A on the plus strand (C>T on the coding strand, the complement: TCF20 is on the minus strand). VCF-style: chr22-42211443-G-A. GRCh37 (hg19) VCF-style: chr22-42607449-G-A.
Other names: c.3863C>T, p.Ser1288Leu (NM_005650.4, NM_181492.3); short protein forms S1288L.
Identifiers: ClinVar variation 3652633 (VCV003652633.2).

ClinVar aggregate classification (germline): Uncertain significance (1 of 4 stars; one submission).

Submission:

Labcorp Genetics (formerly Invitae), Labcorp
Classification: Uncertain significance. Last evaluated: 2025-02-12. Review status: criteria provided, single submitter. Criteria: Invitae Variant Classification Sherloc (09022015). Collection method: clinical testing. Allele origin: germline.
Comment: This sequence change replaces serine, which is neutral and polar, with leucine, which is neutral and non-polar, at codon 1288 of the TCF20 protein (p.Ser1288Leu). This variant is not present in population databases (gnomAD no frequency). This variant has not been reported in the literature in individuals affected with TCF20-related conditions. An algorithm developed to predict the effect of missense changes on protein structure and function (PolyPhen-2) suggests that this variant is likely to be tolerated. In summary, the available evidence is currently insufficient to determine the role of this variant in disease. Therefore, it has been classified as a Variant of Uncertain Significance.